The following is an entry in ClinVar:

ClinVar aggregate classification (germline): Uncertain significance. Review status: criteria provided, multiple submitters, no conflicts (2 of 4 stars). 3 submissions from 3 submitters: Uncertain significance (3). Last evaluated 2025-12-01.

Conditions:
Neonatal diabetes mellitus with congenital hypothyroidism. Also called: NDH SYNDROME. Identifiers: Orphanet 79118, MedGen C1857775, MONDO:0012436, OMIM 610199.

Allele frequency attached by ClinVar (database versions not stated): gnomAD exomes 0.00009 and 0.00012; ExAC 0.00010; ESP Exome Variant Server 0.00015; gnomAD 0.00018 and 0.00019; 1000 Genomes Project 0.00020; 1000 Genomes Project 30x 0.00031.
gnomAD v4.1: 174 of 1,613,526 alleles (0.011%); highest among the groups gnomAD compares: Admixed American, 0.075%; no homozygotes.

Submissions (3):

Labcorp Genetics (formerly Invitae), Labcorp
Classification: Uncertain significance. Last evaluated: 2025-12-01. Review status: criteria provided, single submitter. Criteria: Invitae Variant Classification Sherloc (09022015). Collection method: clinical testing. Allele origin: germline.
Comment: This sequence change replaces valine, which is neutral and non-polar, with methionine, which is neutral and non-polar, at codon 761 of the GLIS3 protein (p.Val761Met). This variant is present in population databases (rs151140581, gnomAD 0.05%). This variant has not been reported in the literature in individuals affected with GLIS3-related conditions. ClinVar contains an entry for this variant (Variation ID: 1363878). An algorithm developed to predict the effect of missense changes on protein structure and function outputs the following: PolyPhen-2: "Benign". The methionine amino acid residue is found in multiple mammalian species, which suggests that this missense change does not adversely affect protein function. In summary, the available evidence is currently insufficient to determine the role of this variant in disease. Therefore, it has been classified as a Variant of Uncertain Significance.

Fulgent Genetics
Classification: Uncertain significance for Neonatal diabetes mellitus with congenital hypothyroidism. Last evaluated: 2021-09-28. Review status: criteria provided, single submitter. Criteria: ACMG Guidelines, 2015. Collection method: clinical testing. Allele origin: unknown.

Breakthrough Genomics
Classification: Uncertain significance. Review status: criteria provided, single submitter. Criteria: ACMG Guidelines, 2015. Collection method: not provided. Allele origin: germline. Inheritance: Autosomal recessive inheritance. Affected: yes.

NM_001042413.2(GLIS3):c.2746G>A (p.Val916Met)

Gene: GLIS3 (GLIS family zinc finger 3; minus strand). Cytogenetic location: 9p24.2.
Variant type: single nucleotide variant.
Coding change: c.2746G>A on transcript NM_001042413.2 (MANE Select); coding-DNA position 2746, G replaced by A.
Protein change: p.Val916Met; replaces valine 916 with methionine.
Molecular consequence: missense variant.
Genome position (GRCh38, 1-based): chr9:3,828,319, C>T on the plus strand (G>A on the coding strand, the complement: GLIS3 is on the minus strand). VCF-style: chr9-3828319-C-T. GRCh37 (hg19) VCF-style: chr9-3828319-C-T.
Other names: c.2281G>A, p.Val761Met (NM_152629.4); short protein forms V761M, V916M.
Identifiers: ClinVar variation 1363878 (VCV001363878.8), dbSNP rs151140581, ClinGen allele CA4967644.